The following is an entry in ClinVar:

ClinVar aggregate classification (germline): Uncertain significance. Review status: criteria provided, multiple submitters, no conflicts (2 of 4 stars). 2 submissions from 2 submitters: Uncertain significance (2). Last evaluated 2021-09-15.

Conditions:
Hyper-IgM syndrome type 5 (HIGM5). Also called: Hyper-IgM Immunodeficiency Syndrome, Type 5. Identifiers: Orphanet 101092, MedGen C1720958, MONDO:0011971, OMIM 608106.

Allele frequency attached by ClinVar (database versions not stated): TOPMed 0.00003; gnomAD exomes 0.00005.
gnomAD v4.1: 17 of 1,614,010 alleles (0.0011%); highest among the groups gnomAD compares: Admixed American, 0.023%; no homozygotes.

Submissions (2):

Labcorp Genetics (formerly Invitae), Labcorp
Classification: Uncertain significance for Hyper-IgM syndrome type 5. Last evaluated: 2021-09-15. Review status: criteria provided, single submitter. Criteria: Invitae Variant Classification Sherloc (09022015). Collection method: clinical testing. Allele origin: germline.
Comment: This sequence change replaces glutamine with histidine at codon 133 of the UNG protein (p.Gln133His). The glutamine residue is highly conserved and there is a small physicochemical difference between glutamine and histidine. This variant is present in population databases (rs576044400, ExAC 0.02%). This variant has not been reported in the literature in individuals affected with UNG-related conditions. Algorithms developed to predict the effect of missense changes on protein structure and function are either unavailable or do not agree on the potential impact of this missense change (SIFT: "Deleterious"; PolyPhen-2: "Benign"; Align-GVGD: "Class C0"). In summary, the available evidence is currently insufficient to determine the role of this variant in disease. Therefore, it has been classified as a Variant of Uncertain Significance.

Ambry Genetics
Classification: Uncertain significance. Last evaluated: 2021-08-10. Review status: criteria provided, single submitter. Criteria: Ambry Variant Classification Scheme 2023. Collection method: clinical testing. Allele origin: germline.

NM_080911.3(UNG):c.399A>C (p.Gln133His)

Gene: UNG (uracil DNA glycosylase; plus strand). Cytogenetic location: 12q24.11.
Variant type: single nucleotide variant.
Coding change: c.399A>C on transcript NM_080911.3 (MANE Select); coding-DNA position 399, A replaced by C.
Protein change: p.Gln133His; replaces glutamine 133 with histidine.
Molecular consequence: missense variant.
Genome position (GRCh38, 1-based): chr12:109,099,248, A>C. VCF-style: chr12-109099248-A-C. GRCh37 (hg19) VCF-style: chr12-109537053-A-C.
Other names: c.399A>C (NM_080911.2); c.372A>C, p.Gln124His (NM_003362.4); short protein forms Q133H, Q124H.
Identifiers: ClinVar variation 1449550 (VCV001449550.4), dbSNP rs576044400, ClinGen allele CA6772600.
Genomic context (GRCh38, chr12:109,099,248, plus strand): 5'-GCTAATGGGATTTGTTGCAGAAGAAAGAAAGCATTACACTGTTTATCCACCCCCACACCA[A>C]GTCTTCACCTGGACCCAGATGTGTGACATAAAAGATGTAAGTACAACTTGTTGATAATTT-3'
Protein context (NP_550433.1, residues 123-143): KHYTVYPPPH[Gln133His]VFTWTQMCDI